The following is an entry in ClinVar:

NM_001112741.2(KCNC1):c.552C>G (p.Tyr184Ter)

Gene: KCNC1 (potassium voltage-gated channel subfamily C member 1; plus strand). Cytogenetic location: 11p15.1.
Variant type: single nucleotide variant.
Coding change: c.552C>G on transcript NM_001112741.2 (MANE Select); coding-DNA position 552, C replaced by G.
Protein change: p.Tyr184Ter; replaces tyrosine 184 with a stop codon.
Molecular consequence: nonsense.
Genome position (GRCh38, 1-based): chr11:17,736,554, C>G. VCF-style: chr11-17736554-C-G. GRCh37 (hg19) VCF-style: chr11-17758101-C-G.
Other names: c.552C>G, p.Tyr184Ter (NM_004976.4); short protein forms Y184*.
Identifiers: ClinVar variation 3360899 (VCV003360899.1).

ClinVar aggregate classification (germline): Uncertain significance (1 of 4 stars; one submission).

Submission:

GeneDx
Classification: Uncertain significance. Last evaluated: 2023-07-15. Review status: criteria provided, single submitter. Criteria: GeneDx Variant Classification Process June 2021. Collection method: clinical testing. Allele origin: germline. Affected: yes.
Comment: Not observed at significant frequency in large population cohorts (gnomAD); Nonsense variant predicted to result in protein truncation or nonsense-mediated decay in a gene or region of a gene for which loss of function is not a well-established mechanism of disease; Has not been previously published as pathogenic or benign to our knowledge